The following is an entry in ClinVar:

NC_000023.11:g.(?_31679355)_(31968534_?)del

Genes: DMD (dystrophin; minus strand), LOC129391296 (MPRA-validated peak7373 silencer; plus strand). Cytogenetic location: Xp21.1.
Variant type: Deletion.
Identifiers: ClinVar variation 526140 (VCV000526140.10).

ClinVar aggregate classification (germline): Pathogenic (1 of 4 stars; one submission).

Conditions:
Duchenne muscular dystrophy (DMD). Also called: Duchenne Muscular Dystrophy (DMD); MUSCULAR DYSTROPHY, PSEUDOHYPERTROPHIC PROGRESSIVE, DUCHENNE TYPE. Identifiers: Orphanet 98896, MedGen C0013264, MONDO:0010679, OMIM 310200.

Submission:

Labcorp Genetics (formerly Invitae), Labcorp
Classification: Pathogenic for Duchenne muscular dystrophy. Last evaluated: 2023-12-30. Review status: criteria provided, single submitter. Criteria: Invitae Variant Classification Sherloc (09022015). Collection method: clinical testing. Allele origin: germline.
Comment: This variant is a gross deletion of the genomic region encompassing exon(s) 45-53 of the DMD gene. This variant would be expected to be in-frame, preserving the integrity of the reading frame. A similar copy number variant has been observed in individuals with DMD-related muscular dystrophy (PMID: 2063877, 2573997, 16030524, 19449031, 25482253, 26911353, 27854212). For these reasons, this variant has been classified as Pathogenic.

Literature cited by the submitters: PubMed 2063877; PubMed 2573997; PubMed 16030524; PubMed 19449031; PubMed 25482253; PubMed 26911353; PubMed 27854212.